The following is an entry in ClinVar:

ClinVar aggregate classification (germline): Uncertain significance (1 of 4 stars; one submission).

Conditions:
Dyskeratosis congenita, autosomal dominant 6 (DKCA6). Identifiers: Orphanet 3322, MedGen C4225284, MONDO:0014690, OMIM 616553.

Allele frequency attached by ClinVar (database versions not stated): gnomAD exomes 0.00002.
gnomAD v4.1: 15 of 1,612,660 alleles (0.00093%); highest among the groups gnomAD compares: Non-Finnish European, 0.0013%; no homozygotes.

Submission:

Labcorp Genetics (formerly Invitae), Labcorp
Classification: Uncertain significance for Dyskeratosis congenita, autosomal dominant 6. Last evaluated: 2021-03-18. Review status: criteria provided, single submitter. Criteria: Invitae Variant Classification Sherloc (09022015). Collection method: clinical testing. Allele origin: germline.
Comment: This variant is not present in population databases (ExAC no frequency). This variant has not been reported in the literature in individuals with ACD-related conditions. In summary, the available evidence is currently insufficient to determine the role of this variant in disease. Therefore, it has been classified as a Variant of Uncertain Significance. This sequence change creates a premature translational stop signal (p.Trp98*) in the ACD gene. It is expected to result in an absent or disrupted protein product. However, the current clinical and genetic evidence is not sufficient to establish whether loss-of-function variants in ACD cause disease.

NM_001082486.2(ACD):c.36G>A (p.Trp12Ter)

Gene: ACD (ACD shelterin complex subunit and telomerase recruitment factor; minus strand). Cytogenetic location: 16q22.1.
Variant type: single nucleotide variant.
Coding change: c.36G>A on transcript NM_001082486.2 (MANE Select); coding-DNA position 36, G replaced by A.
Protein change: p.Trp12Ter; replaces tryptophan 12 with a stop codon.
Molecular consequence: nonsense.
Genome position (GRCh38, 1-based): chr16:67,660,185, C>T on the plus strand (G>A on the coding strand, the complement: ACD is on the minus strand). VCF-style: chr16-67660185-C-T. GRCh37 (hg19) VCF-style: chr16-67694088-C-T.
Other names: c.36G>A, p.Trp12Ter (NM_022914.3); short protein forms W12*.
Identifiers: ClinVar variation 1472824 (VCV001472824.6), dbSNP rs1244950221, ClinGen allele CA396358439.
Genomic context (GRCh38, chr16:67,660,185, plus strand): 5'-AAGCAGCTGCCCGGCTCGTGGACTGGAGGGTGTCTCTGACCCCAGAATCAGCTCCCGAAT[C>T]CAGGGCCGTAGGACCAGCCTCCCCGAACCTGCCATCCCCACGGCTACACCCAGCGGATGC-3'